The following is an entry in ClinVar:

NM_178140.4(PDZD2):c.2496T>C (p.Tyr832=)

Gene: PDZD2 (PDZ domain containing 2; plus strand). Cytogenetic location: 5p13.3.
Variant type: single nucleotide variant.
Coding change: c.2496T>C on transcript NM_178140.4 (MANE Select); coding-DNA position 2496, T replaced by C.
Protein change: p.Tyr832=; no amino-acid change (tyrosine 832 retained).
Molecular consequence: synonymous variant.
Genome position (GRCh38, 1-based): chr5:32,069,613, T>C. VCF-style: chr5-32069613-T-C. GRCh37 (hg19) VCF-style: chr5-32069719-T-C.
Identifiers: ClinVar variation 4280875 (VCV004280875.7).

ClinVar aggregate classification (germline): Likely benign (1 of 4 stars; one submission).

gnomAD v4.1: 19 of 1,598,422 alleles (0.0012%); highest among the groups gnomAD compares: Middle Eastern, 0.016%; no homozygotes.

Submission:

CeGaT Center for Human Genetics Tuebingen
Classification: Likely benign. Last evaluated: 2025-09-01. Review status: criteria provided, single submitter. Criteria: CeGaT Center For Human Genetics Tuebingen Variant Classification Criteria Version 2. Collection method: clinical testing. Allele origin: germline. Affected: yes. Observed: 1 variant allele.
Comment: PDZD2: BP4, BP7